The following is an entry in ClinVar:

ClinVar aggregate classification (germline): Uncertain significance (1 of 4 stars; one submission).

Conditions:
Periodontitis, aggressive. Identifiers: MedGen C0031106, MONDO:0980757.
Papillon-Lefèvre syndrome (PALS). Also called: KERATOSIS PALMOPLANTARIS WITH PERIODONTOPATHIA; Papillon-Lefevre Disease. Identifiers: Orphanet 678, MedGen C0030360, MONDO:0009490, OMIM 245000.
Haim-Munk syndrome (HMS). Also called: COCHIN JEWISH DISORDER; KERATOSIS PALMOPLANTARIS WITH PERIODONTOPATHIA AND ONYCHOGRYPOSIS. Identifiers: Orphanet 2342, MedGen C1855627, MONDO:0009491, OMIM 245010.

Submission:

Labcorp Genetics (formerly Invitae), Labcorp
Classification: Uncertain significance for Haim-Munk syndrome; Periodontitis, aggressive; Papillon-Lefèvre syndrome. Last evaluated: 2023-12-21. Review status: criteria provided, single submitter. Criteria: Invitae Variant Classification Sherloc (09022015). Collection method: clinical testing. Allele origin: germline.
Comment: This sequence change replaces leucine, which is neutral and non-polar, with arginine, which is basic and polar, at codon 78 of the CTSC protein (p.Leu78Arg). This variant is not present in population databases (gnomAD no frequency). This variant has not been reported in the literature in individuals affected with CTSC-related conditions. Advanced modeling of protein sequence and biophysical properties (such as structural, functional, and spatial information, amino acid conservation, physicochemical variation, residue mobility, and thermodynamic stability) performed at Invitae indicates that this missense variant is not expected to disrupt CTSC protein function with a negative predictive value of 80%. In summary, the available evidence is currently insufficient to determine the role of this variant in disease. Therefore, it has been classified as a Variant of Uncertain Significance.

NM_001814.6(CTSC):c.233T>G (p.Leu78Arg)

Gene: CTSC (cathepsin C; minus strand). Cytogenetic location: 11q14.2.
Variant type: single nucleotide variant.
Coding change: c.233T>G on transcript NM_001814.6 (MANE Select); coding-DNA position 233, T replaced by G.
Protein change: p.Leu78Arg; replaces leucine 78 with arginine.
Molecular consequence: missense variant.
Genome position (GRCh38, 1-based): chr11:88,335,022, A>C on the plus strand (T>G on the coding strand, the complement: CTSC is on the minus strand). VCF-style: chr11-88335022-A-C. GRCh37 (hg19) VCF-style: chr11-88068190-A-C.
Other names: c.233T>G, p.Leu78Arg (NM_001114173.3, NM_148170.5); short protein forms L78R.
Identifiers: ClinVar variation 2921601 (VCV002921601.3), dbSNP rs1938453553, ClinGen allele CA382029947.